The following is an entry in ClinVar:

NM_001035.3(RYR2):c.11422T>G (p.Phe3808Val)

Gene: RYR2 (ryanodine receptor 2; plus strand). Cytogenetic location: 1q43.
Variant type: single nucleotide variant.
Coding change: c.11422T>G on transcript NM_001035.3 (MANE Select); coding-DNA position 11422, T replaced by G.
Protein change: p.Phe3808Val; replaces phenylalanine 3808 with valine.
Molecular consequence: missense variant.
Genome position (GRCh38, 1-based): chr1:237,760,974, T>G. VCF-style: chr1-237760974-T-G. GRCh37 (hg19) VCF-style: chr1-237924274-T-G.
Other names: short protein forms F3808V.
Identifiers: ClinVar variation 3633831 (VCV003633831.2).

ClinVar aggregate classification (germline): Uncertain significance (1 of 4 stars; one submission).

Conditions:
Catecholaminergic polymorphic ventricular tachycardia 1. Also called: VENTRICULAR TACHYCARDIA, CATECHOLAMINERGIC POLYMORPHIC, 1, WITH OR WITHOUT ATRIAL DYSFUNCTION AND/OR DILATED CARDIOMYOPATHY; RYR2-Related Catecholaminergic Polymorphic Ventricular Tachycardia; VENTRICULAR TACHYCARDIA, STRESS-INDUCED POLYMORPHIC 1. Identifiers: Orphanet 3286, MedGen C1631597, MONDO:0011484, OMIM 604772.

Submission:

Labcorp Genetics (formerly Invitae), Labcorp
Classification: Uncertain significance for Catecholaminergic polymorphic ventricular tachycardia 1. Last evaluated: 2024-05-21. Review status: criteria provided, single submitter. Criteria: Invitae Variant Classification Sherloc (09022015). Collection method: clinical testing. Allele origin: germline.
Comment: This sequence change replaces phenylalanine, which is neutral and non-polar, with valine, which is neutral and non-polar, at codon 3808 of the RYR2 protein (p.Phe3808Val). This variant is not present in population databases (gnomAD no frequency). This variant has not been reported in the literature in individuals affected with RYR2-related conditions. Advanced modeling of protein sequence and biophysical properties (such as structural, functional, and spatial information, amino acid conservation, physicochemical variation, residue mobility, and thermodynamic stability) performed at Invitae indicates that this missense variant is expected to disrupt RYR2 protein function with a positive predictive value of 95%. In summary, the available evidence is currently insufficient to determine the role of this variant in disease. Therefore, it has been classified as a Variant of Uncertain Significance.